The following is an entry in ClinVar:

NM_000057.4(BLM):c.2432A>G (p.Tyr811Cys)

Gene: BLM (BLM RecQ like helicase; plus strand). Cytogenetic location: 15q26.1.
Variant type: single nucleotide variant.
Coding change: c.2432A>G on transcript NM_000057.4 (MANE Select); coding-DNA position 2432, A replaced by G.
Protein change: p.Tyr811Cys; replaces tyrosine 811 with cysteine.
Molecular consequence: missense variant.
Genome position (GRCh38, 1-based): chr15:90,769,463, A>G. VCF-style: chr15-90769463-A-G. GRCh37 (hg19) VCF-style: chr15-91312693-A-G.
Other names: c.2432A>G, p.Tyr811Cys (NM_001287246.2, NM_001287247.2); c.1307A>G, p.Tyr436Cys (NM_001287248.2); c.2432A>G (NM_000057.2); short protein forms Y811C, Y436C.
Identifiers: ClinVar variation 405315 (VCV000405315.17), dbSNP rs145029382, ClinGen allele CA7738775.

ClinVar aggregate classification (germline): Conflicting classifications of pathogenicity. Review status: criteria provided, conflicting classifications (1 of 4 stars). 7 submissions from 7 submitters: Likely pathogenic (1); Uncertain significance (4). 2 of the submissions do not count toward it. Last evaluated 2026-01-16.

Conditions:
Bloom syndrome (BLM). Also called: Bloom-Torre-Machacek syndrome. Identifiers: Orphanet 125, MedGen C0005859, MONDO:0008876, OMIM 210900.
Hereditary cancer-predisposing syndrome. Also called: Hereditary Cancer Syndrome; Hereditary neoplastic syndrome; Neoplastic Syndromes, Hereditary; Tumor predisposition. Identifiers: Orphanet 140162, MedGen C0027672, MeSH D009386, MONDO:0015356.

Allele frequency attached by ClinVar (database versions not stated): gnomAD exomes below 0.00001 and 0.00001; ExAC 0.00001; TOPMed 0.00002; gnomAD 0.00003 and 0.00004; ESP Exome Variant Server 0.00008.
gnomAD v4.1: 27 of 1,614,056 alleles (0.0017%); highest among the groups gnomAD compares: Non-Finnish European, 0.0022%; no homozygotes.

Submissions (7):

Labcorp Genetics (formerly Invitae), Labcorp
Classification: Uncertain significance for Bloom syndrome. Last evaluated: 2026-01-16. Review status: criteria provided, single submitter. Criteria: Invitae Variant Classification Sherloc (09022015). Collection method: clinical testing. Allele origin: germline.
Comment: This sequence change replaces tyrosine, which is neutral and polar, with cysteine, which is neutral and slightly polar, at codon 811 of the BLM protein (p.Tyr811Cys). This variant is present in population databases (rs145029382, gnomAD 0.002%). This variant has not been reported in the literature in individuals affected with BLM-related conditions. ClinVar contains an entry for this variant (Variation ID: 405315). Invitae Evidence Modeling of protein sequence and biophysical properties (such as structural, functional, and spatial information, amino acid conservation, physicochemical variation, residue mobility, and thermodynamic stability) indicates that this missense variant is expected to disrupt BLM protein function with a positive predictive value of 80%. Experimental studies have shown that this missense change affects BLM function (PMID: 23129629, 26788541). In summary, the available evidence is currently insufficient to determine the role of this variant in disease. Therefore, it has been classified as a Variant of Uncertain Significance.

Quest Diagnostics Nichols Institute San Juan Capistrano
Classification: Uncertain significance. Last evaluated: 2024-12-20. Review status: criteria provided, single submitter. Criteria: Quest Diagnostics criteria. Collection method: clinical testing. Allele origin: unknown.
Comment: The BLM c.2432A>G (p.Tyr811Cys) variant has not been reported in the published literature in individuals with BLM associated disorders. However, functional studies demonstrated that this variant was damaging to protein function (PMID: 26788541 (2016), 23129629 (2012)). The frequency of this variant in the general population (Genome Aggregation Database) is uninformative in the assessment of its pathogenicity. Analysis of this variant using bioinformatics tools for the prediction of the effect of amino acid changes on protein structure and function yielded predictions that this variant is damaging. Based on the available information, we are unable to determine the clinical significance of this variant.

Ambry Genetics
Classification: Likely pathogenic for Hereditary cancer-predisposing syndrome. Last evaluated: 2024-01-02. Review status: criteria provided, single submitter. Criteria: Ambry Variant Classification Scheme 2023. Collection method: clinical testing. Allele origin: germline.
Comment: The p.Y811C variant (also known as c.2432A>G), located in coding exon 11 of the BLM gene, results from an A to G substitution at nucleotide position 2432. The tyrosine at codon 811 is replaced by cysteine, an amino acid with highly dissimilar properties. Functional studies performed in yeast showed a lack of activity comparable to known BLM mutations (Mirzaei H et al. Proc. Natl. Acad. Sci. U.S.A. 2012 Nov;109:19357-62; Shastri VM et al. Mol Genet Genomic Med. 2016 Jan;4:106-19). Based on internal structural analysis, this variant disrupts the protein structure more than a nearby known pathogenic variant (Swan MK et al. Acta Crystallogr. D Biol. Crystallogr. 2014 May;70:1465-75). This amino acid position is highly conserved in available vertebrate species. This variant was not reported in population-based cohorts in the Genome Aggregation Database (gnomAD). In addition, this alteration is predicted to be deleterious by in silico analysis. Based on the majority of available evidence to date, this variant is likely to be pathogenic.

GeneDx
Classification: Uncertain significance. Last evaluated: 2023-10-18. Review status: criteria provided, single submitter. Criteria: GeneDx Variant Classification Process June 2021. Collection method: clinical testing. Allele origin: germline. Affected: yes.
Comment: Published functional studies suggest a damaging effect: demonstrates sensitivity to DNA-damaging agents similar to other known pathogenic BLM variants (Mirzaei and Schmidt, 2012; Shastri and Schmidt, 2016); Observed in an individual with colorectal cancer (DeRycke et al., 2017); Not observed at significant frequency in large population cohorts (gnomAD); In silico analysis supports that this missense variant has a deleterious effect on protein structure/function; This variant is associated with the following publications: (PMID: 32704157, 26788541, 28944238, 24816114, 23129629)

Fulgent Genetics
Classification: Uncertain significance for Bloom syndrome. Last evaluated: 2022-01-05. Review status: criteria provided, single submitter. Criteria: ACMG Guidelines, 2015. Collection method: clinical testing. Allele origin: unknown.

Genetic Services Laboratory, University of Chicago
Classification: Uncertain significance. Last evaluated: 2022-08-05. Review status: no assertion criteria provided. Collection method: clinical testing. Allele origin: germline. Affected: no. Not counted in ClinVar's aggregate classification.
Comment: DNA sequence analysis of the BLM gene demonstrated a sequence change, c.2432A>G, in exon 12 that results in an amino acid change, p.Tyr811Cys. This sequence change does not appear to have been previously described in individuals with BLM-related disorders. Experimental studies have shown that this missense change may impact BLM function (PMID: 23129629, 26788541). This sequence change has been described in the gnomAD database in two individuals which corresponds to a population frequency of 0.0015% (dbSNP rs145029382). The p.Tyr811Cys change affects a highly conserved amino acid residue located in a domain of the BLM protein that is known to be functional. In-silico pathogenicity prediction tools (SIFT, PolyPhen2, Align GVGD, REVEL) provide contradictory results for the p.Tyr811Cys substitution. Due to insufficient evidences and the lack of functional studies, the clinical significance of the p.Tyr811Cys change remains unknown at this time.

Natera, Inc.
Classification: Uncertain significance for Bloom syndrome. Last evaluated: 2018-07-23. Review status: no assertion criteria provided. Collection method: clinical testing. Allele origin: germline. Not counted in ClinVar's aggregate classification.

Literature cited by the submitters: PubMed 23129629 (cited by 3 submitters); PubMed 26788541 (cited by 3 submitters); PubMed 24816114 (cited by Quest Diagnostics Nichols Institute San Juan Capistrano and Ambry Genetics); PubMed 32704157 (cited by Quest Diagnostics Nichols Institute San Juan Capistrano).